The following is an entry in ClinVar:

ClinVar aggregate classification (germline): Likely pathogenic (1 of 4 stars; one submission).

Conditions:
Fabry disease. Also called: ALPHA-GALACTOSIDASE A DEFICIENCY; ANDERSON-FABRY DISEASE; CERAMIDE TRIHEXOSIDASE DEFICIENCY; GLA DEFICIENCY; HEREDITARY DYSTOPIC LIPIDOSIS; Angiokeratoma corporis diffusum. Identifiers: Orphanet 324, MedGen C0002986, MONDO:0010526, OMIM 301500, HP:0001071. Disease mechanism: Fabry disease is due to inactivating mutations in the X-linked GLA gene resulting in deficiency of the enzyme Alpha Galactosidase-A., loss of function.

Submission:

Genomenon, Inc
Classification: Likely pathogenic for Fabry disease. Last evaluated: 2026-09-08. Review status: criteria provided, single submitter. Criteria: Genomenon Sequence Variant Interpretation Standards - Updated. Collection method: curation. Allele origin: germline. Affected: no.
Comment: GLA p.Asn34Lys (c.102T>A) is a missense variant that changes the amino acid at codon 34 from Asparagine to Lysine. To our knowledge, this variant has not been reported in patients affected with Fabry disease in the published literature. At least one functional study has demonstrated a substantial alteration in protein function relative to the wild-type (PMID:27657681). It is absent or not present at a significant frequency in gnomAD. In silico models predict that this variant is possibly or probably damaging. In conclusion, we classify GLA p.Asn34Lys (c.102T>A) as a likely pathogenic variant.

Literature cited by the submitters: PubMed 27657681.

NM_000169.3(GLA):c.102T>A (p.Asn34Lys)

Genes: GLA (galactosidase alpha; minus strand), RPL36A-HNRNPH2 (RPL36A-HNRNPH2 readthrough; plus strand). Cytogenetic location: Xq22.1.
Variant type: single nucleotide variant.
Coding change: c.102T>A on transcript NM_000169.3 (MANE Select); coding-DNA position 102, T replaced by A.
Protein change: p.Asn34Lys; replaces asparagine 34 with lysine.
Molecular consequence: missense variant. On other transcripts: non-coding transcript variant (3), intron variant (2).
Genome position (GRCh38, 1-based): chrX:101,407,802, A>T on the plus strand (T>A on the coding strand, the complement: GLA is on the minus strand). VCF-style: chrX-101407802-A-T. GRCh37 (hg19) VCF-style: chrX-100662790-A-T.
Other names: c.102T>A, p.Asn34Lys (NM_001406747.1, NM_001406748.1, NM_001406749.1); c.301-4134A>T (NM_001199973.2); c.178-4134A>T (NM_001199974.2); short protein forms N34K.
Identifiers: ClinVar variation 4087463 (VCV004087463.2).